The following is an entry in ClinVar:

ClinVar aggregate classification (germline): Conflicting classifications of pathogenicity. Review status: criteria provided, conflicting classifications (1 of 4 stars). 7 submissions from 7 submitters: Uncertain significance (1); Likely benign (2). 4 of the submissions do not count toward it. Last evaluated 2026-01-07.

Conditions:
TXNRD2-related disorder. Also called: TXNRD2-related condition.
Cardiovascular phenotype. Identifiers: MedGen CN230736.
Primary dilated cardiomyopathy (DCM). Also called: Dilated Cardiomyopathy. Identifiers: Orphanet 217604, MedGen C0007193, MeSH D002311, MONDO:0005021, HP:0001644. Inheritance: Various modes of inheritance.

Allele frequency attached by ClinVar (database versions not stated): 1000 Genomes Project 0.00060; 1000 Genomes Project 30x 0.00062; TOPMed 0.00065; ExAC 0.00090; ESP Exome Variant Server 0.00128.
gnomAD v4.1: 1,551 of 1,494,506 alleles (0.1%); highest among the groups gnomAD compares: Non-Finnish European, 0.13%; 5 homozygotes.

Submissions (7):

Labcorp Genetics (formerly Invitae), Labcorp
Classification: Uncertain significance for Primary dilated cardiomyopathy. Last evaluated: 2026-01-07. Review status: criteria provided, single submitter. Criteria: Invitae Variant Classification Sherloc (09022015). Collection method: clinical testing. Allele origin: germline.
Comment: This sequence change replaces valine, which is neutral and non-polar, with methionine, which is neutral and non-polar, at codon 22 of the TXNRD2 protein (p.Val22Met). This variant is present in population databases (rs370819229, gnomAD 0.1%), and has an allele count higher than expected for a pathogenic variant. This variant has not been reported in the literature in individuals affected with TXNRD2-related conditions. ClinVar contains an entry for this variant (Variation ID: 391644). An algorithm developed to predict the effect of missense changes on protein structure and function (PolyPhen-2) suggests that this variant is likely to be tolerated. In summary, the available evidence is currently insufficient to determine the role of this variant in disease. Therefore, it has been classified as a Variant of Uncertain Significance.

GeneDx
Classification: Likely benign. Last evaluated: 2020-10-27. Review status: criteria provided, single submitter. Criteria: GeneDx Variant Classification Process June 2021. Collection method: clinical testing. Allele origin: germline. Affected: yes.
Comment: Has not been previously published as pathogenic or benign to our knowledge; In silico analysis, which includes protein predictors and evolutionary conservation, supports that this variant does not alter protein structure/function

Ambry Genetics
Classification: Likely benign for Cardiovascular phenotype. Last evaluated: 2019-03-05. Review status: criteria provided, single submitter. Criteria: Ambry Variant Classification Scheme 2023. Collection method: clinical testing. Allele origin: germline.

PreventionGenetics, part of Exact Sciences
Classification: Uncertain significance for TXNRD2-related condition. Last evaluated: 2024-05-17. Review status: no assertion criteria provided. Collection method: clinical testing. Allele origin: germline. Not counted in ClinVar's aggregate classification.
Comment: The TXNRD2 c.64G>A variant is predicted to result in the amino acid substitution p.Val22Met. To our knowledge, this variant has not been reported in the literature. This variant is reported in 0.13% of alleles in individuals of European (Non-Finnish) descent in gnomAD, which is likely too common for an undocumented disease-causing variant. Although we suspect that this variant may be benign, at this time, the clinical significance of this variant is uncertain due to the absence of conclusive functional and genetic evidence.

Clinical Genetics DNA and cytogenetics Diagnostics Lab, Erasmus MC, Erasmus Medical Center
Classification: Likely benign. Review status: no assertion criteria provided. Collection method: clinical testing. Allele origin: germline. Affected: yes. Study: VKGL Data-share Consensus. Not counted in ClinVar's aggregate classification.

Diagnostic Laboratory, Department of Genetics, University Medical Center Groningen
Classification: Likely benign. Review status: no assertion criteria provided. Collection method: clinical testing. Allele origin: germline. Affected: yes. Study: VKGL Data-share Consensus. Not counted in ClinVar's aggregate classification.

Genome Diagnostics Laboratory, University Medical Center Utrecht
Classification: Likely benign. Review status: no assertion criteria provided. Collection method: clinical testing. Allele origin: germline. Affected: yes. Study: VKGL Data-share Consensus. Not counted in ClinVar's aggregate classification.

NM_006440.5(TXNRD2):c.64G>A (p.Val22Met)

Genes: TXNRD2 (thioredoxin reductase 2; minus strand), LOC130066960 (ATAC-STARR-seq lymphoblastoid silent region 13467; plus strand). Cytogenetic location: 22q11.21.
Variant type: single nucleotide variant.
Coding change: c.64G>A on transcript NM_006440.5 (MANE Select); coding-DNA position 64, G replaced by A.
Protein change: p.Val22Met; replaces valine 22 with methionine.
Molecular consequence: missense variant. On other transcripts: non-coding transcript variant (1).
Genome position (GRCh38, 1-based): chr22:19,941,740, C>T on the plus strand (G>A on the coding strand, the complement: TXNRD2 is on the minus strand). VCF-style: chr22-19941740-C-T. GRCh37 (hg19) VCF-style: chr22-19929263-C-T.
Other names: c.64G>A, p.Val22Met (NM_001282512.3, NM_001352300.2); short protein forms V22M.
Identifiers: ClinVar variation 391644 (VCV000391644.21), dbSNP rs370819229, ClinGen allele CA10104411.